The following is an entry in ClinVar:

ClinVar aggregate classification (germline): Uncertain significance (1 of 4 stars; one submission).

Submission:

GeneDx
Classification: Uncertain significance. Last evaluated: 2022-04-01. Review status: criteria provided, single submitter. Criteria: GeneDx Variant Classification Process June 2021. Collection method: clinical testing. Allele origin: germline.
Comment: Not observed at significant frequency in large population cohorts (gnomAD); Frameshift variant predicted to result in protein truncation, as the last 259 amino acids are replaced with 33 different amino acids; Has not been previously published as pathogenic or benign to our knowledge; Variants in candidate genes are classified as variants of uncertain significance in accordance with ACMG guidelines (Richards et al., 2015)

NM_014921.5(ADGRL1):c.3632_3633del (p.Pro1211fs)

Genes: ADGRL1 (adhesion G protein-coupled receptor L1; minus strand), ADGRL1-AS1 (ADGRL1 antisense RNA 1; plus strand). Cytogenetic location: 19p13.12.
Variant type: Deletion.
Coding change: c.3632_3633del on transcript NM_014921.5 (MANE Select); coding-DNA positions 3632 to 3633, 2 bases deleted (CT; older notation c.3632_3633delCT).
Protein change: p.Pro1211fs; shifts the reading frame from proline 1211.
Molecular consequence: frameshift variant.
Genome position (GRCh38, 1-based): chr19:14,152,325-14,152,326, AG deleted on the plus strand (CT on the coding strand, the reverse complement: ADGRL1 is on the minus strand). VCF-style (leftmost placement, unchanged base first): chr19-14152324-CAG-C. GRCh37 (hg19) VCF-style: chr19-14263136-CAG-C.
Other names: c.3647_3648del, p.Pro1216fs (NM_001008701.3); short protein forms P1211fs, P1216fs.
Identifiers: ClinVar variation 4888131 (VCV004888131.1).
Genomic context (GRCh38, chr19:14,152,324, plus strand): 5'-AAACCCTCCATTTCCCAACCTGGGATGTTTCCCCCGTGCTCTCACCTGGGGAGTTGAAGA[CAG>C]GGGGCGAGGAGGGATTGAAGCCCACTGACTCGGCGATGAGGGTGTTGTAGGGACTGGTGC-3'